The following is an entry in ClinVar:

NM_001382347.1(MYO5A):c.1162A>G (p.Ile388Val)

Gene: MYO5A (myosin VA; minus strand). Cytogenetic location: 15q21.2.
Variant type: single nucleotide variant.
Coding change: c.1162A>G on transcript NM_001382347.1 (MANE Select); coding-DNA position 1162, A replaced by G.
Protein change: p.Ile388Val; replaces isoleucine 388 with valine.
Molecular consequence: missense variant.
Genome position (GRCh38, 1-based): chr15:52,397,358, T>C on the plus strand (A>G on the coding strand, the complement: MYO5A is on the minus strand). VCF-style: chr15-52397358-T-C. GRCh37 (hg19) VCF-style: chr15-52689555-T-C.
Other names: c.1162A>G, p.Ile388Val (NM_000259.3, NM_001142495.2); c.1234A>G, p.Ile412Val (NM_001382348.1, NM_001382349.1); short protein forms I388V, I412V.
Identifiers: ClinVar variation 1386892 (VCV001386892.6), dbSNP rs2141186026, ClinGen allele CA392524794.

ClinVar aggregate classification (germline): Uncertain significance (1 of 4 stars; one submission).

Submission:

Labcorp Genetics (formerly Invitae), Labcorp
Classification: Uncertain significance. Last evaluated: 2022-05-06. Review status: criteria provided, single submitter. Criteria: Invitae Variant Classification Sherloc (09022015). Collection method: clinical testing. Allele origin: germline.
Comment: In summary, the available evidence is currently insufficient to determine the role of this variant in disease. Therefore, it has been classified as a Variant of Uncertain Significance. Algorithms developed to predict the effect of missense changes on protein structure and function (SIFT, PolyPhen-2, Align-GVGD) all suggest that this variant is likely to be tolerated. This variant has not been reported in the literature in individuals affected with MYO5A-related conditions. This variant is not present in population databases (gnomAD no frequency). This sequence change replaces isoleucine, which is neutral and non-polar, with valine, which is neutral and non-polar, at codon 388 of the MYO5A protein (p.Ile388Val).